The following is an entry in ClinVar:

NM_019842.4(KCNQ5):c.2789A>G (p.Lys930Arg)

Gene: KCNQ5 (potassium voltage-gated channel subfamily Q member 5; plus strand). Cytogenetic location: 6q13.
Variant type: single nucleotide variant.
Coding change: c.2789A>G on transcript NM_019842.4 (MANE Select); coding-DNA position 2789, A replaced by G.
Protein change: p.Lys930Arg; replaces lysine 930 with arginine.
Molecular consequence: missense variant.
Genome position (GRCh38, 1-based): chr6:73,195,404, A>G. VCF-style: chr6-73195404-A-G. GRCh37 (hg19) VCF-style: chr6-73905127-A-G.
Other names: c.2762A>G, p.Lys921Arg (NM_001160130.2); c.2819A>G, p.Lys940Arg (NM_001160132.2); c.2846A>G, p.Lys949Arg (NM_001160133.2); c.2459A>G, p.Lys820Arg (NM_001160134.2); short protein forms K820R, K921R, K930R, K940R, K949R.
Identifiers: ClinVar variation 3616894 (VCV003616894.2).

ClinVar aggregate classification (germline): Uncertain significance (1 of 4 stars; one submission).

gnomAD v4.1: 1 of 1,612,360 alleles (0.000062%); highest among the groups gnomAD compares: Admixed American, 0.0017%; no homozygotes.

Submission:

Labcorp Genetics (formerly Invitae), Labcorp
Classification: Uncertain significance. Last evaluated: 2024-08-15. Review status: criteria provided, single submitter. Criteria: Invitae Variant Classification Sherloc (09022015). Collection method: clinical testing. Allele origin: germline.
Comment: This sequence change replaces lysine, which is basic and polar, with arginine, which is basic and polar, at codon 949 of the KCNQ5 protein (p.Lys949Arg). This variant is present in population databases (no rsID available, gnomAD 0.003%). This variant has not been reported in the literature in individuals affected with KCNQ5-related conditions. Invitae Evidence Modeling of protein sequence and biophysical properties (such as structural, functional, and spatial information, amino acid conservation, physicochemical variation, residue mobility, and thermodynamic stability) indicates that this missense variant is not expected to disrupt KCNQ5 protein function with a negative predictive value of 95%. In summary, the available evidence is currently insufficient to determine the role of this variant in disease. Therefore, it has been classified as a Variant of Uncertain Significance.